The following is an entry in ClinVar:

NM_001042492.3(NF1):c.1465T>G (p.Tyr489Asp)

Gene: NF1 (neurofibromin 1; plus strand). Cytogenetic location: 17q11.2.
Variant type: single nucleotide variant.
Coding change: c.1465T>G on transcript NM_001042492.3 (MANE Select); coding-DNA position 1465, T replaced by G.
Protein change: p.Tyr489Asp; replaces tyrosine 489 with aspartic acid.
Molecular consequence: missense variant.
Genome position (GRCh38, 1-based): chr17:31,214,523, T>G. VCF-style: chr17-31214523-T-G. GRCh37 (hg19) VCF-style: chr17-29541541-T-G.
Other names: c.1465T>G, p.Tyr489Asp (NM_000267.4, NM_001128147.3); short protein forms Y489D.
Identifiers: ClinVar variation 842198 (VCV000842198.12), dbSNP rs2066786672, ClinGen allele CA399001572.

ClinVar aggregate classification (germline): Conflicting classifications of pathogenicity. Review status: criteria provided, conflicting classifications (1 of 4 stars). 4 submissions from 4 submitters: Uncertain significance (3); Benign (1). Last evaluated 2025-07-07.

Conditions:
Hereditary cancer-predisposing syndrome. Also called: Neoplastic Syndromes, Hereditary; Hereditary neoplastic syndrome; Tumor predisposition; Hereditary Cancer Syndrome. Identifiers: Orphanet 140162, MedGen C0027672, MeSH D009386, MONDO:0015356.
Cardiovascular phenotype. Identifiers: MedGen CN230736.
Neurofibromatosis, type 1 (NF1). Also called: Peripheral type neurofibromatosis; VON RECKLINGHAUSEN DISEASE; Neurofibromatosis, type I; NEUROFIBROMATOSIS, TYPE I, SOMATIC. Identifiers: Orphanet 636, MedGen C0027831, MONDO:0018975, OMIM 162200. Disease mechanism: loss of function.

Submissions (4):

Labcorp Genetics (formerly Invitae), Labcorp
Classification: Benign for Neurofibromatosis, type 1. Last evaluated: 2025-07-07. Review status: criteria provided, single submitter. Criteria: Invitae Variant Classification Sherloc (09022015). Collection method: clinical testing. Allele origin: germline.

Ambry Genetics
Classification: Uncertain significance for Cardiovascular phenotype; Hereditary cancer-predisposing syndrome. Last evaluated: 2024-12-30. Review status: criteria provided, single submitter. Criteria: Ambry Variant Classification Scheme 2023. Collection method: clinical testing. Allele origin: germline.
Comment: The p.Y489D variant (also known as c.1465T>G), located in coding exon 13 of the NF1 gene, results from a T to G substitution at nucleotide position 1465. The tyrosine at codon 489 is replaced by aspartic acid, an amino acid with highly dissimilar properties. In addition, the in silico prediction for this alteration is inconclusive. Since supporting evidence is limited at this time, the clinical significance of this alteration remains unclear.

Genome-Nilou Lab
Classification: Uncertain significance for Neurofibromatosis, type 1. Last evaluated: 2022-03-15. Review status: criteria provided, single submitter. Criteria: ACMG Guidelines, 2015. Collection method: clinical testing. Allele origin: germline. Affected: no.

Sema4
Classification: Uncertain significance for Hereditary cancer-predisposing syndrome. Last evaluated: 2021-12-16. Review status: criteria provided, single submitter. Criteria: Sema4 Curation Guidelines. Collection method: curation. Allele origin: germline.
Comment: The NF1 c.1465T>G (p.Y489D) variant has not been reported in the literature to our knowledge. This variant is not reported in the population database Genome Aggregation Database (PMID: 32461654). This variant has been reported in ClinVar (Variation ID: 842198). Functional studies have not been performed, and in silico predictions of the variant's effect on protein function are inconclusive. The evidence is insufficient to meet ACMG/AMP criteria for classifying the variant as benign or pathogenic. Thus, the clinical significance of this variant is currently uncertain.